The following is an entry in ClinVar:

NM_206937.2(LIG4):c.1807A>T (p.Arg603Trp)

Gene: LIG4 (DNA ligase 4; minus strand). Cytogenetic location: 13q33.3.
Variant type: single nucleotide variant.
Coding change: c.1807A>T on transcript NM_206937.2 (MANE Select); coding-DNA position 1807, A replaced by T.
Protein change: p.Arg603Trp; replaces arginine 603 with tryptophan.
Molecular consequence: missense variant.
Genome position (GRCh38, 1-based): chr13:108,209,462, T>A on the plus strand (A>T on the coding strand, the complement: LIG4 is on the minus strand). VCF-style: chr13-108209462-T-A. GRCh37 (hg19) VCF-style: chr13-108861810-T-A.
Other names: c.1807A>T, p.Arg603Trp (NM_001098268.2, NM_001352598.2, NM_001352599.2 and 6 more transcripts); c.1606A>T, p.Arg536Trp (NM_001330595.2); c.1843A>T, p.Arg615Trp (NM_001352604.2); short protein forms R536W, R603W, R615W.
Identifiers: ClinVar variation 848150 (VCV000848150.8), dbSNP rs762041406, ClinGen allele CA7043611.
Genomic context (GRCh38, chr13:108,209,462, plus strand): 5'-GTTCATCATCACCACCTATATAAAGGTGTTTAGATGCGAGCTTACCAGATGCCTTCCCCC[T>A]AAGTTGTTCTAGGTCGTCCAGGGTCATGCACTCATGCCACTCCTTGTCATCTCTTATCTT-3'
Protein context (NP_996820.1, residues 593-613): CMTLDDLEQL[Arg603Trp]GKASGKLASK

ClinVar aggregate classification (germline): Uncertain significance. Review status: criteria provided, multiple submitters, no conflicts (2 of 4 stars). 2 submissions from 2 submitters: Uncertain significance (2). Last evaluated 2023-04-05.

Conditions:
DNA ligase IV deficiency. Identifiers: Orphanet 99812, MedGen C1847827, MONDO:0011686, OMIM 606593.
Inborn genetic diseases. Identifiers: MedGen C0950123, MeSH D030342.

Allele frequency attached by ClinVar (database versions not stated): gnomAD 0.00001; gnomAD exomes 0.00001 and 0.00002; ExAC 0.00002; TOPMed 0.00003.

Submissions (2):

Ambry Genetics
Classification: Uncertain significance for Inborn genetic diseases. Last evaluated: 2023-04-05. Review status: criteria provided, single submitter. Criteria: Ambry Variant Classification Scheme 2023. Collection method: clinical testing. Allele origin: germline.

Labcorp Genetics (formerly Invitae), Labcorp
Classification: Uncertain significance for DNA ligase IV deficiency. Last evaluated: 2021-08-13. Review status: criteria provided, single submitter. Criteria: Invitae Variant Classification Sherloc (09022015). Collection method: clinical testing. Allele origin: germline.
Comment: This sequence change replaces arginine with tryptophan at codon 603 of the LIG4 protein (p.Arg603Trp). The arginine residue is highly conserved and there is a moderate physicochemical difference between arginine and tryptophan. This variant is present in population databases (rs762041406, ExAC 0.03%). This variant has not been reported in the literature in individuals affected with LIG4-related conditions. Algorithms developed to predict the effect of missense changes on protein structure and function are either unavailable or do not agree on the potential impact of this missense change (SIFT: "Deleterious"; PolyPhen-2: "Possibly Damaging"; Align-GVGD: "Class C0"). In summary, the available evidence is currently insufficient to determine the role of this variant in disease. Therefore, it has been classified as a Variant of Uncertain Significance.